The following is an entry in ClinVar:

NM_004522.3(KIF5C):c.2857A>G (p.Thr953Ala)

Gene: KIF5C (kinesin family member 5C; plus strand). Cytogenetic location: 2q23.2.
Variant type: single nucleotide variant.
Coding change: c.2857A>G on transcript NM_004522.3 (MANE Select); coding-DNA position 2857, A replaced by G.
Protein change: p.Thr953Ala; replaces threonine 953 with alanine.
Molecular consequence: missense variant. On other transcripts: non-coding transcript variant (1).
Genome position (GRCh38, 1-based): chr2:149,011,659, A>G. VCF-style: chr2-149011659-A-G. GRCh37 (hg19) VCF-style: chr2-149868173-A-G.
Other names: short protein forms T953A.
Identifiers: ClinVar variation 3239018 (VCV003239018.19), dbSNP rs369391176.

ClinVar aggregate classification (germline): Likely benign (1 of 4 stars; one submission).

Allele frequency attached by ClinVar (database versions not stated): TOPMed below 0.00001; gnomAD 0.00001; gnomAD exomes 0.00001; ExAC 0.00002; ESP Exome Variant Server 0.00008.
gnomAD v4.1: 13 of 1,613,832 alleles (0.00081%); highest among the groups gnomAD compares: Non-Finnish European, 0.001%; no homozygotes.

Submission:

CeGaT Center for Human Genetics Tuebingen
Classification: Likely benign. Last evaluated: 2024-05-01. Review status: criteria provided, single submitter. Criteria: CeGaT Center For Human Genetics Tuebingen Variant Classification Criteria Version 2. Collection method: clinical testing. Allele origin: germline. Affected: yes. Observed: 1 variant allele.
Comment: KIF5C: BP4